The following is an entry in ClinVar:

NM_001370259.2(MEN1):c.103G>C (p.Val35Leu)

Gene: MEN1 (menin 1; minus strand). Cytogenetic location: 11q13.1.
Variant type: single nucleotide variant.
Coding change: c.103G>C on transcript NM_001370259.2 (MANE Select); coding-DNA position 103, G replaced by C.
Protein change: p.Val35Leu; replaces valine 35 with leucine.
Molecular consequence: missense variant.
Genome position (GRCh38, 1-based): chr11:64,810,007, C>G on the plus strand (G>C on the coding strand, the complement: MEN1 is on the minus strand). VCF-style: chr11-64810007-C-G. GRCh37 (hg19) VCF-style: chr11-64577479-C-G.
Other names: c.103G>C, p.Val35Leu (NM_000244.4, NM_001370251.2, NM_001370260.2 and 20 more transcripts); short protein forms V35L.
Identifiers: ClinVar variation 2126712 (VCV002126712.5), dbSNP rs2136194077, ClinGen allele CA381187963.

ClinVar aggregate classification (germline): Uncertain significance. Review status: criteria provided, multiple submitters, no conflicts (2 of 4 stars). 2 submissions from 2 submitters: Uncertain significance (2). Last evaluated 2025-07-21.

Conditions:
Hereditary cancer-predisposing syndrome. Also called: Hereditary Cancer Syndrome; Neoplastic Syndromes, Hereditary; Hereditary neoplastic syndrome; Tumor predisposition. Identifiers: Orphanet 140162, MedGen C0027672, MeSH D009386, MONDO:0015356.
Multiple endocrine neoplasia, type 1 (MEN1). Also called: MEN I; WERMER SYNDROME; Endocrine adenomatosis multiple; MEN 1; MEA I. Identifiers: Orphanet 652, MedGen C0025267, MeSH D018761, MONDO:0007540, OMIM 131100.

Allele frequency attached by ClinVar (database versions not stated): gnomAD exomes below 0.00001.
gnomAD v4.1: 1 of 1,604,748 alleles (0.000062%); highest among the groups gnomAD compares: Non-Finnish European, 0.000085%; no homozygotes.

Submissions (2):

Ambry Genetics
Classification: Uncertain significance for Hereditary cancer-predisposing syndrome. Last evaluated: 2025-07-21. Review status: criteria provided, single submitter. Criteria: Ambry Variant Classification Scheme 2023. Collection method: clinical testing. Allele origin: germline.
Comment: The p.V35L variant (also known as c.103G>C), located in coding exon 1 of the MEN1 gene, results from a G to C substitution at nucleotide position 103. The valine at codon 35 is replaced by leucine, an amino acid with highly similar properties. This amino acid position is not well conserved in available vertebrate species. In addition, the in silico prediction for this alteration is inconclusive. Based on the available evidence, the clinical significance of this variant remains unclear.

Labcorp Genetics (formerly Invitae), Labcorp
Classification: Uncertain significance for Multiple endocrine neoplasia, type 1. Last evaluated: 2022-06-13. Review status: criteria provided, single submitter. Criteria: Invitae Variant Classification Sherloc (09022015). Collection method: clinical testing. Allele origin: germline.
Comment: This variant is not present in population databases (gnomAD no frequency). In summary, the available evidence is currently insufficient to determine the role of this variant in disease. Therefore, it has been classified as a Variant of Uncertain Significance. Advanced modeling of protein sequence and biophysical properties (such as structural, functional, and spatial information, amino acid conservation, physicochemical variation, residue mobility, and thermodynamic stability) performed at Invitae indicates that this missense variant is not expected to disrupt MEN1 protein function. This variant has not been reported in the literature in individuals affected with MEN1-related conditions. This sequence change replaces valine, which is neutral and non-polar, with leucine, which is neutral and non-polar, at codon 35 of the MEN1 protein (p.Val35Leu).